The following is an entry in ClinVar:

NM_199420.4(POLQ):c.2315A>G (p.His772Arg)

Gene: POLQ (DNA polymerase theta; minus strand). Cytogenetic location: 3q13.33.
Variant type: single nucleotide variant.
Coding change: c.2315A>G on transcript NM_199420.4 (MANE Select); coding-DNA position 2315, A replaced by G.
Protein change: p.His772Arg; replaces histidine 772 with arginine.
Molecular consequence: missense variant.
Genome position (GRCh38, 1-based): chr3:121,493,685, T>C on the plus strand (A>G on the coding strand, the complement: POLQ is on the minus strand). VCF-style: chr3-121493685-T-C. GRCh37 (hg19) VCF-style: chr3-121212532-T-C.
Other names: short protein forms H772R.
Identifiers: ClinVar variation 1789482 (VCV001789482.2), dbSNP rs2546790843, ClinGen allele CA354108233.

ClinVar aggregate classification (germline): Uncertain significance (1 of 4 stars; one submission).

gnomAD v4.1: 1 of 1,613,850 alleles (0.000062%); no homozygotes.

Submission:

Ambry Genetics
Classification: Uncertain significance. Last evaluated: 2021-12-10. Review status: criteria provided, single submitter. Criteria: Ambry Variant Classification Scheme 2023. Collection method: clinical testing. Allele origin: germline.
Comment: The p.H772R variant (also known as c.2315A>G), located in coding exon 15 of the POLQ gene, results from an A to G substitution at nucleotide position 2315. The histidine at codon 772 is replaced by arginine, an amino acid with highly similar properties. This amino acid position is conserved. In addition, this alteration is predicted to be tolerated by in silico analysis. Since supporting evidence is limited at this time, the clinical significance of this alteration remains unclear.